The following is an entry in ClinVar:

NM_001374736.1(DST):c.14150C>T (p.Ala4717Val)

Genes: DST (dystonin; minus strand), LOC129389544 (MPRA-validated peak5860 silencer; plus strand). Cytogenetic location: 6p12.1.
Variant type: single nucleotide variant.
Coding change: c.14150C>T on transcript NM_001374736.1 (MANE Select); coding-DNA position 14150, C replaced by T.
Protein change: p.Ala4717Val; replaces alanine 4717 with valine.
Molecular consequence: missense variant.
Genome position (GRCh38, 1-based): chr6:56,561,468, G>A on the plus strand (C>T on the coding strand, the complement: DST is on the minus strand). VCF-style: chr6-56561468-G-A. GRCh37 (hg19) VCF-style: chr6-56426266-G-A.
Other names: c.7793C>T, p.Ala2598Val (NM_001144769.5); c.7379C>T, p.Ala2460Val (NM_001144770.2); c.14150C>T, p.Ala4717Val (NM_001374722.1); c.13517C>T, p.Ala4506Val (NM_001374729.1); c.7259C>T, p.Ala2420Val (NM_001374730.1, NM_183380.4); c.14177C>T, p.Ala4726Val (NM_001374734.1); c.6281C>T, p.Ala2094Val (NM_015548.5); short protein forms A2094V, A2598V, A2420V, A4506V, A4717V, A2460V, A4726V.
Identifiers: ClinVar variation 967715 (VCV000967715.11), dbSNP rs181741923, ClinGen allele CA3868083.

ClinVar aggregate classification (germline): Uncertain significance. Review status: criteria provided, multiple submitters, no conflicts (2 of 4 stars). 2 submissions from 2 submitters: Uncertain significance (2). Last evaluated 2024-01-22.

Conditions:
Hereditary sensory and autonomic neuropathy type 6. Also called: Neuropathy, hereditary sensory and autonomic, type VI; HSAN VI. Identifiers: Orphanet 314381, MedGen C3539003, MONDO:0013839, OMIM 614653.
Epidermolysis bullosa simplex 3, localized or generalized intermediate, with BP230 deficiency (EBS3). Also called: Epidermolysis bullosa simplex, autosomal recessive 2; Epidermolysis bullosa simplex due to BP230 deficiency. Identifiers: Orphanet 412181, MedGen C3809470, MONDO:0014180, OMIM 615425.

Allele frequency attached by ClinVar (database versions not stated): gnomAD 0.00003; TOPMed 0.00005; gnomAD exomes 0.00007 and 0.00012; ExAC 0.00011; 1000 Genomes Project 0.00020; ESP Exome Variant Server 0.00025; 1000 Genomes Project 30x 0.00031.
gnomAD v4.1: 175 of 1,613,754 alleles (0.011%); highest among the groups gnomAD compares: Non-Finnish European, 0.014%; no homozygotes.

Submissions (2):

Labcorp Genetics (formerly Invitae), Labcorp
Classification: Uncertain significance for Epidermolysis bullosa simplex 3, localized or generalized intermediate, with BP230 deficiency; Hereditary sensory and autonomic neuropathy type 6. Last evaluated: 2024-01-22. Review status: criteria provided, single submitter. Criteria: Invitae Variant Classification Sherloc (09022015). Collection method: clinical testing. Allele origin: germline.
Comment: The DST gene has multiple clinically relevant transcripts. This variant occurs in alternate transcript NM_015548.4, and corresponds to NM_001723.5:c.*54049C>T in the primary transcript. This sequence change replaces alanine, which is neutral and non-polar, with valine, which is neutral and non-polar, at codon 2094 of the DST protein (p.Ala2094Val). This variant is present in population databases (rs181741923, gnomAD 0.01%). This variant has not been reported in the literature in individuals affected with DST-related conditions. ClinVar contains an entry for this variant (Variation ID: 967715). Algorithms developed to predict the effect of missense changes on protein structure and function output the following: SIFT: "Not Available"; PolyPhen-2: "Not Available"; Align-GVGD: "Not Available". The valine amino acid residue is found in multiple mammalian species, which suggests that this missense change does not adversely affect protein function. In summary, the available evidence is currently insufficient to determine the role of this variant in disease. Therefore, it has been classified as a Variant of Uncertain Significance.

Mayo Clinic Laboratories, Mayo Clinic
Classification: Uncertain significance. Last evaluated: 2021-01-05. Review status: criteria provided, single submitter. Criteria: ACMG Guidelines, 2015. Collection method: clinical testing. Allele origin: germline. Observed: 1 variant allele.